The following is an entry in ClinVar:

NM_206926.2(SELENON):c.1147C>T (p.Arg383Cys)

Gene: SELENON (selenoprotein N; plus strand). Cytogenetic location: 1p36.11.
Variant type: single nucleotide variant.
Coding change: c.1147C>T on transcript NM_206926.2 (MANE Select); coding-DNA position 1147, C replaced by T.
Protein change: p.Arg383Cys; replaces arginine 383 with cysteine.
Molecular consequence: missense variant.
Genome position (GRCh38, 1-based): chr1:25,811,847, C>T. VCF-style: chr1-25811847-C-T. GRCh37 (hg19) VCF-style: chr1-26138338-C-T.
Other names: c.1249C>T, p.Arg417Cys (NM_020451.3); short protein forms R417C, R383C.
Identifiers: ClinVar variation 805404 (VCV000805404.9), dbSNP rs769840172, ClinGen allele CA696797.

ClinVar aggregate classification (germline): Uncertain significance. Review status: criteria provided, multiple submitters, no conflicts (2 of 4 stars). 4 submissions from 4 submitters: Uncertain significance (4). Last evaluated 2026-03-31.

Conditions:
Eichsfeld type congenital muscular dystrophy (CMYO3). Also called: MYOPATHY, SEPN1-RELATED; SELENON-related myopathy; Congenital myopathy 3 with rigid spine; Rigid spine muscular dystrophy 1. Identifiers: MedGen C0410180, MONDO:0100100, OMIM 602771.

Allele frequency attached by ClinVar (database versions not stated): gnomAD exomes 0.00005; gnomAD 0.00003; ExAC below 0.00001; TOPMed 0.00004.
gnomAD v4.1: 52 of 1,576,484 alleles (0.0033%); highest among the groups gnomAD compares: Admixed American, 0.02%; no homozygotes.

Submissions (4):

GeneDx
Classification: Uncertain significance. Last evaluated: 2026-03-31. Review status: criteria provided, single submitter. Criteria: GeneDx Variant Classification Process June 2021. Collection method: clinical testing. Allele origin: germline.
Comment: In silico analysis supports that this missense variant has a deleterious effect on protein structure/function; Has not been previously published as pathogenic or benign to our knowledge

Labcorp Genetics (formerly Invitae), Labcorp
Classification: Uncertain significance for Eichsfeld type congenital muscular dystrophy. Last evaluated: 2022-07-11. Review status: criteria provided, single submitter. Criteria: Invitae Variant Classification Sherloc (09022015). Collection method: clinical testing. Allele origin: germline.
Comment: This sequence change replaces arginine, which is basic and polar, with cysteine, which is neutral and slightly polar, at codon 417 of the SELENON protein (p.Arg417Cys). The frequency data for this variant in the population databases is considered unreliable, as metrics indicate poor data quality at this position in the gnomAD database. This variant has not been reported in the literature in individuals affected with SELENON-related conditions. ClinVar contains an entry for this variant (Variation ID: 805404). Algorithms developed to predict the effect of missense changes on protein structure and function are either unavailable or do not agree on the potential impact of this missense change (SIFT: "Deleterious"; PolyPhen-2: "Benign"; Align-GVGD: "Class C55"). Algorithms developed to predict the effect of sequence changes on RNA splicing suggest that this variant may create or strengthen a splice site. In summary, the available evidence is currently insufficient to determine the role of this variant in disease. Therefore, it has been classified as a Variant of Uncertain Significance.

Blueprint Genetics
Classification: Uncertain significance. Last evaluated: 2022-06-14. Review status: criteria provided, single submitter. Criteria: ACMG Guidelines, 2015. Collection method: clinical testing. Allele origin: germline.

Athena Diagnostics
Classification: Uncertain significance. Last evaluated: 2019-07-18. Review status: criteria provided, single submitter. Criteria: Athena Diagnostics Criteria. Collection method: clinical testing. Allele origin: germline.